The following is an entry in ClinVar:

ClinVar aggregate classification (germline): Likely benign (1 of 4 stars; one submission).

Allele frequency attached by ClinVar (database versions not stated): gnomAD 0.00516 and 0.00552; TOPMed 0.00570; 1000 Genomes Project 0.00699; 1000 Genomes Project 30x 0.00812.
gnomAD v4.1: 774 of 152,272 alleles (0.51%); highest among the groups gnomAD compares: African/African-American, 1.8%; 4 homozygotes.

Submission:

GeneDx
Classification: Likely benign. Last evaluated: 2018-06-14. Review status: criteria provided, single submitter. Criteria: GeneDx Variant Classification (06012015). Collection method: clinical testing. Allele origin: germline. Affected: yes.
Comment: This variant is considered likely benign or benign based on one or more of the following criteria: it is a conservative change, it occurs at a poorly conserved position in the protein, it is predicted to be benign by multiple in silico algorithms, and/or has population frequency not consistent with disease.

NM_000138.5(FBN1):c.5224+161C>T

Gene: FBN1 (fibrillin 1; minus strand). Cytogenetic location: 15q21.1.
Variant type: single nucleotide variant.
Coding change: c.5224+161C>T on transcript NM_000138.5 (MANE Select); 161 bases into the intron after coding-DNA position 5224, C replaced by T.
Molecular consequence: intron variant.
Genome position (GRCh38, 1-based): chr15:48,462,921, G>A on the plus strand (C>T on the coding strand, the complement: FBN1 is on the minus strand). VCF-style: chr15-48462921-G-A. GRCh37 (hg19) VCF-style: chr15-48755118-G-A.
Identifiers: ClinVar variation 675942 (VCV000675942.1), dbSNP rs114977319, ClinGen allele CA269547578.
Genomic context (GRCh38, chr15:48,462,921, plus strand): 5'-AGTCTGGTTACGTATTAGGGTATACATTAGAAAACATATTCTGTGACTCAGTGTTCGGCT[G>A]GAATGACCAGCACCAACTGTGAATTTAAATCATGAGCCGTTTTTTTCCCTGTAAAGATAA-3'